The following is an entry in ClinVar:

NM_000548.5(TSC2):c.4393G>A (p.Asp1465Asn)

Gene: TSC2 (TSC complex subunit 2; plus strand). Cytogenetic location: 16p13.3.
Variant type: single nucleotide variant.
Coding change: c.4393G>A on transcript NM_000548.5 (MANE Select); coding-DNA position 4393, G replaced by A.
Protein change: p.Asp1465Asn; replaces aspartic acid 1465 with asparagine.
Molecular consequence: missense variant.
Genome position (GRCh38, 1-based): chr16:2,084,615, G>A. VCF-style: chr16-2084615-G-A. GRCh37 (hg19) VCF-style: chr16-2134616-G-A.
Other names: c.4192G>A, p.Asp1398Asn (NM_001077183.3); c.4324G>A, p.Asp1442Asn (NM_001114382.3); c.4084G>A, p.Asp1362Asn (NM_001318827.2); c.4048G>A, p.Asp1350Asn (NM_001318829.2); c.3661G>A, p.Asp1221Asn (NM_001318831.2); c.4225G>A, p.Asp1409Asn (NM_001318832.2); c.4195G>A, p.Asp1399Asn (NM_001363528.2); c.4261G>A, p.Asp1421Asn (NM_001370404.1); and 1 more; short protein forms D1221N, D1362N, D1399N, D1421N, D1422N, D1398N, D1409N, D1465N.
Identifiers: ClinVar variation 824860 (VCV000824860.15), dbSNP rs1425542648, ClinGen allele CA394301892.
Genomic context (GRCh38, chr16:2,084,615, plus strand): 5'-TTGCCTTCCAGCTCCCCCCGCTCGCCCAGTGGCCTCCGGCCCCGAGGTTACACCATCTCC[G>A]ACTCGGCCCCATCACGCAGGGGCAAGAGAGTAGAGAGGGACGCCTTAAAGAGCAGAGCCA-3'
Protein context (NP_000539.2, residues 1455-1475): GLRPRGYTIS[Asp1465Asn]SAPSRRGKRV

ClinVar aggregate classification (germline): Uncertain significance. Review status: criteria provided, multiple submitters, no conflicts (2 of 4 stars). 3 submissions from 3 submitters: Uncertain significance (3). Last evaluated 2026-01-14.

Conditions:
Isolated focal cortical dysplasia type II (FCORD2). Also called: CORTICAL DYSPLASIA OF TAYLOR; Focal cortical dysplasia type II. Identifiers: Orphanet 268994, MedGen C1846385, MONDO:0011818, OMIM 607341, HP:0032051.
Hereditary cancer-predisposing syndrome. Also called: Hereditary Cancer Syndrome; Tumor predisposition; Neoplastic Syndromes, Hereditary; Hereditary neoplastic syndrome. Identifiers: Orphanet 140162, MedGen C0027672, MeSH D009386, MONDO:0015356.
Tuberous sclerosis 2 (TSC2). Identifiers: Orphanet 805, MedGen C1860707, MONDO:0013199, OMIM 613254.

Allele frequency attached by ClinVar (database versions not stated): gnomAD exomes below 0.00001.
gnomAD v4.1: 3 of 1,602,046 alleles (0.00019%); highest among the groups gnomAD compares: South Asian, 0.0011%; no homozygotes.

Submissions (3):

Ambry Genetics
Classification: Uncertain significance for Hereditary cancer-predisposing syndrome. Last evaluated: 2026-01-14. Review status: criteria provided, single submitter. Criteria: Ambry Variant Classification Scheme 2023. Collection method: clinical testing. Allele origin: germline.

Baylor Genetics
Classification: Uncertain significance for Isolated focal cortical dysplasia type II. Last evaluated: 2023-05-02. Review status: criteria provided, single submitter. Criteria: ACMG Guidelines, 2015. Collection method: clinical testing. Allele origin: unknown.

Labcorp Genetics (formerly Invitae), Labcorp
Classification: Uncertain significance for Tuberous sclerosis 2. Last evaluated: 2021-01-15. Review status: criteria provided, single submitter. Criteria: Invitae Variant Classification Sherloc (09022015). Collection method: clinical testing. Allele origin: germline.
Comment: This sequence change replaces aspartic acid with asparagine at codon 1465 of the TSC2 protein (p.Asp1465Asn). The aspartic acid residue is moderately conserved and there is a small physicochemical difference between aspartic acid and asparagine. This variant is not present in population databases (ExAC no frequency). This variant has not been reported in the literature in individuals with TSC2-related conditions. Algorithms developed to predict the effect of missense changes on protein structure and function are either unavailable or do not agree on the potential impact of this missense change (SIFT: "Tolerated"; PolyPhen-2: "Possibly Damaging"; Align-GVGD: "Class C0"). In summary, the available evidence is currently insufficient to determine the role of this variant in disease. Therefore, it has been classified as a Variant of Uncertain Significance.